The following is an entry in ClinVar:

NM_007126.5(VCP):c.10G>A (p.Gly4Arg)

Gene: VCP (valosin containing protein; minus strand). Cytogenetic location: 9p13.3.
Variant type: single nucleotide variant.
Coding change: c.10G>A on transcript NM_007126.5 (MANE Select); coding-DNA position 10, G replaced by A.
Protein change: p.Gly4Arg; replaces glycine 4 with arginine.
Molecular consequence: missense variant. On other transcripts: 5 prime UTR variant (2).
Genome position (GRCh38, 1-based): chr9:35,072,344, C>T on the plus strand (G>A on the coding strand, the complement: VCP is on the minus strand). VCF-style: chr9-35072344-C-T. GRCh37 (hg19) VCF-style: chr9-35072341-C-T.
Other names: c.-186G>A (NM_001354927.2); c.-706G>A (NM_001354928.2); short protein forms G4R.
Identifiers: ClinVar variation 1309675 (VCV001309675.2), dbSNP rs2131047437, ClinGen allele CA373297835.
Genomic context (GRCh38, chr9:35,072,344, plus strand): 5'-GGCTGGTCCCGGTGCGCGCCGCCGCAGCAAGCGAACGGCGCGCGCACACTCACTCGGCTC[C>T]AGAAGCCATGGCGCGCGCCTCTCCCGGCCGGCGGCTGTGGCGGCCCGCGGGTAACGGCTA-3'
Protein context (NP_009057.1, residues 1-14): MAS[Gly4Arg]ADSKGDDLST

ClinVar aggregate classification (germline): Uncertain significance (1 of 4 stars; one submission).

gnomAD v4.1: 1 of 1,486,690 alleles (0.000067%); highest among the groups gnomAD compares: Non-Finnish European, 0.000089%; no homozygotes.

Submission:

GeneDx
Classification: Uncertain significance. Last evaluated: 2019-11-07. Review status: criteria provided, single submitter. Criteria: GeneDx Variant Classification Process June 2021. Collection method: clinical testing. Allele origin: germline. Affected: yes.
Comment: Not observed in large population cohorts (Lek et al., 2016); In silico analysis, which includes protein predictors and evolutionary conservation, supports that this variant does not alter protein structure/function; Has not been previously published as pathogenic or benign to our knowledge